The following is an entry in ClinVar:

NM_001105206.3(LAMA4):c.847G>C (p.Asp283His)

Gene: LAMA4 (laminin subunit alpha 4; minus strand). Cytogenetic location: 6q21.
Variant type: single nucleotide variant.
Coding change: c.847G>C on transcript NM_001105206.3 (MANE Select); coding-DNA position 847, G replaced by C.
Protein change: p.Asp283His; replaces aspartic acid 283 with histidine.
Molecular consequence: missense variant.
Genome position (GRCh38, 1-based): chr6:112,187,569, C>G on the plus strand (G>C on the coding strand, the complement: LAMA4 is on the minus strand). VCF-style: chr6-112187569-C-G. GRCh37 (hg19) VCF-style: chr6-112508771-C-G.
Other names: c.826G>C, p.Asp276His (NM_001105207.3, NM_002290.5); short protein forms D276H, A276P, D283H.
Identifiers: ClinVar variation 3682349 (VCV003682349.2).

ClinVar aggregate classification (germline): Uncertain significance (1 of 4 stars; one submission).

Conditions:
Dilated cardiomyopathy 1JJ (CMD1JJ). Identifiers: Orphanet 154, MedGen C3808935, MONDO:0014095, OMIM 615235.

Submission:

Labcorp Genetics (formerly Invitae), Labcorp
Classification: Uncertain significance for Dilated cardiomyopathy 1JJ. Last evaluated: 2022-05-31. Review status: criteria provided, single submitter. Criteria: Invitae Variant Classification Sherloc (09022015). Collection method: clinical testing. Allele origin: germline.
Comment: In summary, the available evidence is currently insufficient to determine the role of this variant in disease. Therefore, it has been classified as a Variant of Uncertain Significance. Experimental studies and prediction algorithms are not available or were not evaluated, and the functional significance of this variant is currently unknown. This variant has not been reported in the literature in individuals affected with LAMA4-related conditions. This variant is not present in population databases (gnomAD no frequency). This sequence change replaces aspartic acid, which is acidic and polar, with histidine, which is basic and polar, at codon 276 of the LAMA4 protein (p.Asp276His).